The following is an entry in ClinVar:

ClinVar aggregate classification (germline): Conflicting classifications of pathogenicity. Review status: criteria provided, conflicting classifications (1 of 4 stars). 4 submissions from 4 submitters: Uncertain significance (3); Benign (1). Last evaluated 2026-01-09.

Conditions:
Inborn genetic diseases. Identifiers: MedGen C0950123, MeSH D030342.
Nemaline myopathy 2 (NEM2). Also called: Nemaline myopathy 2, autosomal recessive. Identifiers: MedGen C1850569, MONDO:0009725, OMIM 256030.

Allele frequency attached by ClinVar (database versions not stated): ESP Exome Variant Server 0.00008; gnomAD 0.00008; gnomAD exomes 0.00001; ExAC 0.00006; TOPMed 0.00008.
gnomAD v4.1: 31 of 1,590,894 alleles (0.0019%); highest among the groups gnomAD compares: African/African-American, 0.039%; no homozygotes.

Submissions (4):

Labcorp Genetics (formerly Invitae), Labcorp
Classification: Benign for Nemaline myopathy 2. Last evaluated: 2026-01-09. Review status: criteria provided, single submitter. Criteria: Invitae Variant Classification Sherloc (09022015). Collection method: clinical testing. Allele origin: germline.

Ambry Genetics
Classification: Uncertain significance for Inborn genetic diseases. Last evaluated: 2024-08-21. Review status: criteria provided, single submitter. Criteria: Ambry Variant Classification Scheme 2023. Collection method: clinical testing. Allele origin: germline.

Revvity Omics, Revvity
Classification: Uncertain significance. Last evaluated: 2024-04-18. Review status: criteria provided, single submitter. Criteria: ACMG Guidelines, 2015. Collection method: clinical testing. Allele origin: germline.

Women's Health and Genetics/Laboratory Corporation of America, LabCorp
Classification: Uncertain significance. Last evaluated: 2023-03-20. Review status: criteria provided, single submitter. Criteria: LabCorp Variant Classification Summary - May 2015. Collection method: clinical testing. Allele origin: germline.
Comment: Variant summary: NEB c.18733G>A (p.Val6245Ile) results in a conservative amino acid change in the encoded protein sequence. Four of four in-silico tools predict a benign effect of the variant on protein function. The variant allele was found at a frequency of 3.7e-05 in 215066 control chromosomes. The available data on variant occurrences in the general population are insufficient to allow any conclusion about variant significance. To our knowledge, no occurrence of c.18733G>A in individuals affected with Nemaline Myopathy 2 and no experimental evidence demonstrating its impact on protein function have been reported. Two clinical diagnostic laboratories have submitted clinical-significance assessments for this variant to ClinVar after 2014 without evidence for independent evaluation. One laboratory classified the variant as benign, and one laboratory classified the variant as uncertain significance. Based on the evidence outlined above, the variant was classified as uncertain significance.

NM_001164508.2(NEB):c.18733G>A (p.Val6245Ile)

Gene: NEB (nebulin; minus strand). Cytogenetic location: 2q23.3.
Variant type: single nucleotide variant.
Coding change: c.18733G>A on transcript NM_001164508.2 (MANE Select); coding-DNA position 18733, G replaced by A.
Protein change: p.Val6245Ile; replaces valine 6245 with isoleucine.
Molecular consequence: missense variant.
Genome position (GRCh38, 1-based): chr2:151,562,769, C>T on the plus strand (G>A on the coding strand, the complement: NEB is on the minus strand). VCF-style: chr2-151562769-C-T. GRCh37 (hg19) VCF-style: chr2-152419283-C-T.
Other names: c.13630G>A (NM_004543.4); c.18733G>A, p.Val6245Ile (NM_001164507.2, NM_001271208.2); c.13630G>A, p.Val4544Ile (NM_004543.5); short protein forms V4544I, V6245I.
Identifiers: ClinVar variation 2104473 (VCV002104473.9), dbSNP rs376732812, ClinGen allele CA1907863.